The following is an entry in ClinVar:

ClinVar aggregate classification (germline): Uncertain significance (1 of 4 stars; one submission).

Allele frequency attached by ClinVar (database versions not stated): gnomAD exomes 0.00001.

Submission:

Labcorp Genetics (formerly Invitae), Labcorp
Classification: Uncertain significance. Last evaluated: 2023-10-09. Review status: criteria provided, single submitter. Criteria: Invitae Variant Classification Sherloc (09022015). Collection method: clinical testing. Allele origin: germline.
Comment: This sequence change replaces valine, which is neutral and non-polar, with alanine, which is neutral and non-polar, at codon 90 of the WNT1 protein (p.Val90Ala). This variant is not present in population databases (gnomAD no frequency). This variant has not been reported in the literature in individuals affected with WNT1-related conditions. Advanced modeling of protein sequence and biophysical properties (such as structural, functional, and spatial information, amino acid conservation, physicochemical variation, residue mobility, and thermodynamic stability) performed at Invitae indicates that this missense variant is not expected to disrupt WNT1 protein function. In summary, the available evidence is currently insufficient to determine the role of this variant in disease. Therefore, it has been classified as a Variant of Uncertain Significance.

NM_005430.4(WNT1):c.269T>C (p.Val90Ala)

Gene: WNT1 (Wnt family member 1; plus strand). Cytogenetic location: 12q13.12.
Variant type: single nucleotide variant.
Coding change: c.269T>C on transcript NM_005430.4 (MANE Select); coding-DNA position 269, T replaced by C.
Protein change: p.Val90Ala; replaces valine 90 with alanine.
Molecular consequence: missense variant.
Genome position (GRCh38, 1-based): chr12:48,979,632, T>C. VCF-style: chr12-48979632-T-C. GRCh37 (hg19) VCF-style: chr12-49373415-T-C.
Other names: short protein forms V90A.
Identifiers: ClinVar variation 2764713 (VCV002764713.3), dbSNP rs2498946425, ClinGen allele CA384627998.
Genomic context (GRCh38, chr12:48,979,632, plus strand): 5'-GTCTGATACGCCAAAATCCGGGGATCCTGCACAGCGTGAGTGGGGGGCTGCAGAGTGCCG[T>C]GCGCGAGTGCAAGTGGCAGTTCCGGAATCGCCGCTGGAACTGTCCCACTGCTCCAGGGCC-3'
Protein context (NP_005421.1, residues 80-100): HSVSGGLQSA[Val90Ala]RECKWQFRNR